The following is an entry in ClinVar:

ClinVar aggregate classification (germline): Pathogenic (1 of 4 stars; one submission).

Conditions:
Severe X-linked myotubular myopathy (CNMX). Also called: MYOTUBULAR MYOPATHY 1; X-linked centronuclear myopathy; Myotubular myopathy, X-linked. Identifiers: Orphanet 596, MedGen C0410203, MONDO:0010683, OMIM 310400.

Submission:

Labcorp Genetics (formerly Invitae), Labcorp
Classification: Pathogenic for Severe X-linked myotubular myopathy. Last evaluated: 2019-06-05. Review status: criteria provided, single submitter. Criteria: Invitae Variant Classification Sherloc (09022015). Collection method: clinical testing. Allele origin: germline.
Comment: For these reasons, this variant has been classified as Pathogenic. This sequence change creates a premature translational stop signal (p.Pro39Glnfs*5) in the MTM1 gene. It is expected to result in an absent or disrupted protein product. This variant is not present in population databases (ExAC no frequency). This variant has not been reported in the literature in individuals with MTM1-related conditions. Loss-of-function variants in MTM1 are known to be pathogenic (PMID: 9305655, 10063835).

Literature cited by the submitters: PubMed 9305655; PubMed 10063835.

NM_000252.3(MTM1):c.116del (p.Pro39fs)

Gene: MTM1 (myotubularin 1; plus strand). Cytogenetic location: Xq28.
Variant type: Deletion.
Coding change: c.116del on transcript NM_000252.3 (MANE Select); coding-DNA position 116, one base deleted (C; older notation c.116delC).
Protein change: p.Pro39fs; shifts the reading frame from proline 39.
Molecular consequence: frameshift variant.
Genome position (GRCh38, 1-based): chrX:150,596,550, C deleted; the last of 2 consecutive C bases (chrX:150,596,549-150,596,550); deleting either gives the same sequence. VCF-style (leftmost placement, unchanged base first): chrX-150596548-TC-T. GRCh37 (hg19) VCF-style: chrX-149765012-TC-T.
Other names: c.116del, p.Pro39fs (NM_001376906.1, NM_001376907.1, NM_001376908.1); short protein forms P39fs.
Identifiers: ClinVar variation 940434 (VCV000940434.8), dbSNP rs2038979352, ClinGen allele CA1139667815.